The following is an entry in ClinVar:

ClinVar aggregate classification (germline): Uncertain significance (1 of 4 stars; one submission).

Conditions:
Autoimmune lymphoproliferative syndrome type 1. Also called: AUTOIMMUNE LYMPHOPROLIFERATIVE SYNDROME, TYPE I, AUTOSOMAL DOMINANT. Identifiers: Orphanet 3261, MedGen C2717884, MONDO:0011158, OMIM 601859.

Allele frequency attached by ClinVar (database versions not stated): gnomAD 0.00001; gnomAD exomes 0.00001; ExAC 0.00001; TOPMed 0.00001.
gnomAD v4.1: 14 of 1,614,056 alleles (0.00087%); highest among the groups gnomAD compares: Non-Finnish European, 0.0012%; no homozygotes.

Submission:

Labcorp Genetics (formerly Invitae), Labcorp
Classification: Uncertain significance for Autoimmune lymphoproliferative syndrome. Last evaluated: 2024-07-30. Review status: criteria provided, single submitter. Criteria: Invitae Variant Classification Sherloc (09022015). Collection method: clinical testing. Allele origin: germline.
Comment: This sequence change replaces methionine, which is neutral and non-polar, with valine, which is neutral and non-polar, at codon 213 of the FASLG protein (p.Met213Val). This variant is not present in population databases (gnomAD no frequency). This variant has not been reported in the literature in individuals affected with FASLG-related conditions. ClinVar contains an entry for this variant (Variation ID: 2127762). Advanced modeling of protein sequence and biophysical properties (such as structural, functional, and spatial information, amino acid conservation, physicochemical variation, residue mobility, and thermodynamic stability) performed at Invitae indicates that this missense variant is not expected to disrupt FASLG protein function with a negative predictive value of 80%. In summary, the available evidence is currently insufficient to determine the role of this variant in disease. Therefore, it has been classified as a Variant of Uncertain Significance.

NM_000639.3(FASLG):c.637A>G (p.Met213Val)

Gene: FASLG (Fas ligand; plus strand). Cytogenetic location: 1q24.3.
Variant type: single nucleotide variant.
Coding change: c.637A>G on transcript NM_000639.3 (MANE Select); coding-DNA position 637, A replaced by G.
Protein change: p.Met213Val; replaces methionine 213 with valine.
Molecular consequence: missense variant. On other transcripts: 3 prime UTR variant (1).
Genome position (GRCh38, 1-based): chr1:172,665,807, A>G. VCF-style: chr1-172665807-A-G. GRCh37 (hg19) VCF-style: chr1-172634947-A-G.
Other names: c.*207A>G (NM_001302746.2); short protein forms M213V.
Identifiers: ClinVar variation 2127762 (VCV002127762.4), dbSNP rs766268405, ClinGen allele CA1247597.